The following is an entry in ClinVar:

NM_032188.3(KAT8):c.496T>A (p.Leu166Met)

Gene: KAT8 (lysine acetyltransferase 8; plus strand). Cytogenetic location: 16p11.2.
Variant type: single nucleotide variant.
Coding change: c.496T>A on transcript NM_032188.3 (MANE Select); coding-DNA position 496, T replaced by A.
Protein change: p.Leu166Met; replaces leucine 166 with methionine.
Molecular consequence: missense variant.
Genome position (GRCh38, 1-based): chr16:31,127,068, T>A. VCF-style: chr16-31127068-T-A. GRCh37 (hg19) VCF-style: chr16-31138389-T-A.
Other names: c.496T>A, p.Leu166Met (NM_182958.4); short protein forms L166M.
Identifiers: ClinVar variation 2575836 (VCV002575836.1), dbSNP rs768640959, ClinGen allele CA395672234.

ClinVar aggregate classification (germline): Uncertain significance (1 of 4 stars; one submission).

Submission:

GeneDx
Classification: Uncertain significance. Last evaluated: 2023-02-06. Review status: criteria provided, single submitter. Criteria: GeneDx Variant Classification Process June 2021. Collection method: clinical testing. Allele origin: germline. Affected: yes.
Comment: Not observed at significant frequency in large population cohorts (gnomAD); In silico analysis supports that this missense variant does not alter protein structure/function; Has not been previously published as pathogenic or benign to our knowledge